The following is an entry in ClinVar:

ClinVar aggregate classification (germline): Uncertain significance. Review status: criteria provided, multiple submitters, no conflicts (2 of 4 stars). 3 submissions from 2 submitters: Uncertain significance (3). Last evaluated 2026-06-26.

Conditions:
Lethal arthrogryposis-anterior horn cell disease syndrome (CAAHD). Also called: CONGENITAL ARTHROGRYPOSIS WITH ANTERIOR HORN CELL DISEASE. Identifiers: Orphanet 53696, MedGen C5193016, MONDO:0012750, OMIM 611890.
GLE1-related disorder. Also called: GLE1-related disorders; GLE1-related condition.
Lethal congenital contracture syndrome 1 (LCCS1). Also called: MULTIPLE CONTRACTURE SYNDROME, FINNISH TYPE. Identifiers: Orphanet 1486, MedGen C1854664, MONDO:0009670, OMIM 253310.

Allele frequency attached by ClinVar (database versions not stated): 1000 Genomes Project 0.00020; 1000 Genomes Project 30x 0.00031; ExAC 0.00054; gnomAD exomes 0.00054 and 0.00117; gnomAD 0.00056 and 0.00058; TOPMed 0.00063; ESP Exome Variant Server 0.00123.
gnomAD v4.1: 1,822 of 1,614,094 alleles (0.11%); highest among the groups gnomAD compares: Non-Finnish European, 0.14%; 1 homozygote.

Submissions (3):

PreventionGenetics, part of Exact Sciences
Classification: Uncertain significance for GLE1-related condition. Last evaluated: 2026-06-26. Review status: criteria provided, single submitter. Criteria: ACMG Guidelines, 2015. Collection method: clinical testing. Allele origin: germline.
Comment: The GLE1 c.947G>A variant is predicted to result in the amino acid substitution p.Arg316Gln. This variant was reported in two controls from a cohort study of patients with amyotrophic lateral sclerosis (Kaneb et al. 2015. PubMed ID: 25343993). This variant is reported in 0.10% of alleles in individuals of European (non-Finnish) descent in gnomAD v2 (as displayed in the table above). However, in gnomAD v4 (available only on GRCh38), this variant is reported in 0.14% of alleles in a subpopulation, including one homozygote. This population data is not consistent with this variant being a primary cause of disease. Although we suspect that this variant may be benign, the clinical significance of this variant is uncertain at this time due to the absence of conclusive functional and genetic evidence.

Illumina Laboratory Services, Illumina
Classification: Uncertain significance for Lethal congenital contracture syndrome 1. Last evaluated: 2017-04-27. Review status: criteria provided, single submitter. Criteria: ICSL Variant Classification Criteria 13 December 2019. Collection method: clinical testing. Allele origin: germline.

Illumina Laboratory Services, Illumina
Classification: Uncertain significance for Lethal arthrogryposis-anterior horn cell disease syndrome. Last evaluated: 2017-04-27. Review status: criteria provided, single submitter. Criteria: ICSL Variant Classification Criteria 13 December 2019. Collection method: clinical testing. Allele origin: germline.

NM_001003722.2(GLE1):c.947G>A (p.Arg316Gln)

Gene: GLE1 (GLE1 RNA export mediator; plus strand). Cytogenetic location: 9q34.11.
Variant type: single nucleotide variant.
Coding change: c.947G>A on transcript NM_001003722.2 (MANE Select); coding-DNA position 947, G replaced by A.
Protein change: p.Arg316Gln; replaces arginine 316 with glutamine.
Molecular consequence: missense variant.
Genome position (GRCh38, 1-based): chr9:128,525,241, G>A. VCF-style: chr9-128525241-G-A. GRCh37 (hg19) VCF-style: chr9-131287520-G-A.
Other names: c.947G>A, p.Arg316Gln (NM_001499.2); short protein forms R316Q.
Identifiers: ClinVar variation 912488 (VCV000912488.5), dbSNP rs147943229, ClinGen allele CA5263746.
Genomic context (GRCh38, chr9:128,525,241, plus strand): 5'-CACTCTGACAGAGCAGCTATCCCACAGCAGAGAGTCAAGCTGAGGCTGAGCGAGCTCTGC[G>A]GGAAATGCGGGACCTCCTGATGAACTTGGGGCAGGAGATCACCAGAGCCTGCGAAGACAA-3'
Protein context (NP_001003722.1, residues 306-326): ESQAEAERAL[Arg316Gln]EMRDLLMNLG